The following is an entry in ClinVar:

NM_004304.5(ALK):c.3236A>C (p.Lys1079Thr)

Gene: ALK (ALK receptor tyrosine kinase; minus strand). Cytogenetic location: 2p23.2.
Variant type: single nucleotide variant.
Coding change: c.3236A>C on transcript NM_004304.5 (MANE Select); coding-DNA position 3236, A replaced by C.
Protein change: p.Lys1079Thr; replaces lysine 1079 with threonine.
Molecular consequence: missense variant.
Genome position (GRCh38, 1-based): chr2:29,223,465, T>G on the plus strand (A>C on the coding strand, the complement: ALK is on the minus strand). VCF-style: chr2-29223465-T-G. GRCh37 (hg19) VCF-style: chr2-29446331-T-G.
Other names: c.32A>C, p.Lys11Thr (NM_001353765.2); short protein forms K1079T, K11T.
Identifiers: ClinVar variation 538237 (VCV000538237.14), dbSNP rs754163075, ClinGen allele CA1594031.

ClinVar aggregate classification (germline): Conflicting classifications of pathogenicity. Review status: criteria provided, conflicting classifications (1 of 4 stars). 4 submissions from 4 submitters: Uncertain significance (3); Likely benign (1). Last evaluated 2025-10-01.

Conditions:
Hereditary cancer-predisposing syndrome. Also called: Neoplastic Syndromes, Hereditary; Tumor predisposition; Hereditary Cancer Syndrome; Hereditary neoplastic syndrome. Identifiers: Orphanet 140162, MedGen C0027672, MeSH D009386, MONDO:0015356.
Neuroblastoma, susceptibility to, 3. Also called: ALK-Related Neuroblastic Tumor Susceptibility. Identifiers: Orphanet 635, MedGen C2751681, MONDO:0013083, OMIM 613014.

Allele frequency attached by ClinVar (database versions not stated): gnomAD 0.00001 and 0.00002; ExAC 0.00002; gnomAD exomes 0.00003 and 0.00008; TOPMed 0.00006.
gnomAD v4.1: 23 of 1,614,094 alleles (0.0014%); highest among the groups gnomAD compares: Admixed American, 0.038%; no homozygotes.

Submissions (4):

Labcorp Genetics (formerly Invitae), Labcorp
Classification: Uncertain significance for Neuroblastoma, susceptibility to, 3. Last evaluated: 2025-10-01. Review status: criteria provided, single submitter. Criteria: Invitae Variant Classification Sherloc (09022015). Collection method: clinical testing. Allele origin: germline.
Comment: This sequence change replaces lysine, which is basic and polar, with threonine, which is neutral and polar, at codon 1079 of the ALK protein (p.Lys1079Thr). This variant is present in population databases (rs754163075, gnomAD 0.06%), and has an allele count higher than expected for a pathogenic variant. This variant has not been reported in the literature in individuals affected with ALK-related conditions. ClinVar contains an entry for this variant (Variation ID: 538237). An algorithm developed to predict the effect of missense changes on protein structure and function (PolyPhen-2) suggests that this variant is likely to be disruptive. In summary, the available evidence is currently insufficient to determine the role of this variant in disease. Therefore, it has been classified as a Variant of Uncertain Significance.

Baylor Genetics
Classification: Uncertain significance for Neuroblastoma, susceptibility to, 3. Last evaluated: 2024-03-29. Review status: criteria provided, single submitter. Criteria: ACMG Guidelines, 2015. Collection method: clinical testing. Allele origin: unknown.

GeneDx
Classification: Uncertain significance. Last evaluated: 2023-02-17. Review status: criteria provided, single submitter. Criteria: GeneDx Variant Classification Process June 2021. Collection method: clinical testing. Allele origin: germline. Affected: yes.
Comment: In silico analysis supports that this missense variant has a deleterious effect on protein structure/function; Has not been previously published as pathogenic or benign to our knowledge

Ambry Genetics
Classification: Likely benign for Hereditary cancer-predisposing syndrome. Last evaluated: 2022-08-16. Review status: criteria provided, single submitter. Criteria: Ambry Variant Classification Scheme 2023. Collection method: clinical testing. Allele origin: germline.